The following is an entry in ClinVar:

NM_001143764.3(SYCE1):c.320-10C>T

Gene: SYCE1 (synaptonemal complex central element protein 1; minus strand). Cytogenetic location: 10q26.3.
Variant type: single nucleotide variant.
Coding change: c.320-10C>T on transcript NM_001143764.3 (MANE Select); 10 bases into the intron before coding-DNA position 320, C replaced by T.
Molecular consequence: intron variant.
Genome position (GRCh38, 1-based): chr10:133,557,928, G>A on the plus strand (C>T on the coding strand, the complement: SYCE1 is on the minus strand). VCF-style: chr10-133557928-G-A. GRCh37 (hg19) VCF-style: chr10-135371432-G-A.
Other names: c.212-10C>T (NM_130784.4); c.320-10C>T (NM_001143763.2).
Identifiers: ClinVar variation 3057568 (VCV003057568.2), dbSNP rs374007149, ClinGen allele CA5768256.

ClinVar aggregate classification (germline): Likely benign (0 of 4 stars; one submission).

Conditions:
SYCE1-related disorder. Also called: SYCE1-related condition.

Allele frequency attached by ClinVar (database versions not stated): gnomAD exomes 0.00002; ExAC 0.00007; 1000 Genomes Project 0.00020; TOPMed 0.00020; gnomAD 0.00021; ESP Exome Variant Server 0.00023; 1000 Genomes Project 30x 0.00031.
gnomAD v4.1: 61 of 1,613,988 alleles (0.0038%); highest among the groups gnomAD compares: African/African-American, 0.064%; no homozygotes.

Submission:

PreventionGenetics, part of Exact Sciences
Classification: Likely benign for SYCE1-related condition. Last evaluated: 2019-03-25. Review status: no assertion criteria provided. Collection method: clinical testing. Allele origin: germline.
Comment: This variant is classified as likely benign based on ACMG/AMP sequence variant interpretation guidelines (Richards et al. 2015 PMID: 25741868, with internal and published modifications).